The following is an entry in ClinVar:

ClinVar aggregate classification (germline): Uncertain significance. Review status: criteria provided, multiple submitters, no conflicts (2 of 4 stars). 2 submissions from 2 submitters: Uncertain significance (2). Last evaluated 2026-02-24.

Conditions:
Colorectal cancer, hereditary nonpolyposis, type 7. Identifiers: Orphanet 144, MedGen C1858380, MONDO:0013725, OMIM 614385.

gnomAD v4.1: 1 of 1,614,044 alleles (0.000062%); highest among the groups gnomAD compares: Admixed American, 0.0017%; no homozygotes.

Submissions (2):

Ambry Genetics
Classification: Uncertain significance. Last evaluated: 2026-02-24. Review status: criteria provided, single submitter. Criteria: Ambry Variant Classification Scheme 2023. Collection method: clinical testing. Allele origin: germline.
Comment: The p.I709R variant (also known as c.2126T>G), located in coding exon 1 of the MLH3 gene, results from a T to G substitution at nucleotide position 2126. The isoleucine at codon 709 is replaced by arginine, an amino acid with similar properties. This amino acid position is conserved. In addition, this alteration is predicted to be tolerated by in silico analysis. Based on the available evidence, the clinical significance of this variant remains unclear.

Labcorp Genetics (formerly Invitae), Labcorp
Classification: Uncertain significance for Colorectal cancer, hereditary nonpolyposis, type 7. Last evaluated: 2023-01-06. Review status: criteria provided, single submitter. Criteria: Invitae Variant Classification Sherloc (09022015). Collection method: clinical testing. Allele origin: germline.
Comment: In summary, the available evidence is currently insufficient to determine the role of this variant in disease. Therefore, it has been classified as a Variant of Uncertain Significance. Algorithms developed to predict the effect of missense changes on protein structure and function (SIFT, PolyPhen-2, Align-GVGD) all suggest that this variant is likely to be tolerated. This variant has not been reported in the literature in individuals affected with MLH3-related conditions. This variant is present in population databases (no rsID available, gnomAD 0.003%). This sequence change replaces isoleucine, which is neutral and non-polar, with arginine, which is basic and polar, at codon 709 of the MLH3 protein (p.Ile709Arg).

NM_001040108.2(MLH3):c.2126T>G (p.Ile709Arg)

Gene: MLH3 (mutL homolog 3; minus strand). Cytogenetic location: 14q24.3.
Variant type: single nucleotide variant.
Coding change: c.2126T>G on transcript NM_001040108.2 (MANE Select); coding-DNA position 2126, T replaced by G.
Protein change: p.Ile709Arg; replaces isoleucine 709 with arginine.
Molecular consequence: missense variant.
Genome position (GRCh38, 1-based): chr14:75,047,530, A>C on the plus strand (T>G on the coding strand, the complement: MLH3 is on the minus strand). VCF-style: chr14-75047530-A-C. GRCh37 (hg19) VCF-style: chr14-75514233-A-C.
Other names: c.2126T>G, p.Ile709Arg (NM_014381.3); short protein forms I709R.
Identifiers: ClinVar variation 2783085 (VCV002783085.4), dbSNP rs750178172, ClinGen allele CA390441612.
Genomic context (GRCh38, chr14:75,047,530, plus strand): 5'-TTCCTACTATCATTGGAAACGTGTCTATACCAGGGGAAAGAGGGGGATGTATCAGATAAT[A>C]TGCAATCTGTTTGTGATTTTTTGCTACCTTCCTGAAAAGCAGAAAACATTGTATAAGTTG-3'
Protein context (NP_001035197.1, residues 699-719): EGSKKSQTDC[Ile709Arg]LSDTSPSFPW